The following is an entry in ClinVar:

ClinVar aggregate classification (germline): Uncertain significance. Review status: criteria provided, multiple submitters, no conflicts (2 of 4 stars). 2 submissions from 2 submitters: Uncertain significance (2). Last evaluated 2023-09-29.

Conditions:
Inborn genetic diseases. Identifiers: MedGen C0950123, MeSH D030342.

Allele frequency attached by ClinVar (database versions not stated): gnomAD 0.00005 and 0.00006; gnomAD exomes 0.00007; TOPMed 0.00008.
gnomAD v4.1: 86 of 1,270,620 alleles (0.0068%); highest among the groups gnomAD compares: Admixed American, 0.012%; no homozygotes.

Submissions (2):

Ambry Genetics
Classification: Uncertain significance for Inborn genetic diseases. Last evaluated: 2023-09-29. Review status: criteria provided, single submitter. Criteria: Ambry Variant Classification Scheme 2023. Collection method: clinical testing. Allele origin: germline.

Labcorp Genetics (formerly Invitae), Labcorp
Classification: Uncertain significance. Last evaluated: 2021-08-27. Review status: criteria provided, single submitter. Criteria: Invitae Variant Classification Sherloc (09022015). Collection method: clinical testing. Allele origin: germline.
Comment: This sequence change replaces arginine with leucine at codon 32 of the DGAT1 protein (p.Arg32Leu). The arginine residue is moderately conserved and there is a moderate physicochemical difference between arginine and leucine. The frequency data for this variant in the population databases is considered unreliable, as metrics indicate insufficient coverage at this position in the ExAC database. This variant has not been reported in the literature in individuals affected with DGAT1-related conditions. Algorithms developed to predict the effect of missense changes on protein structure and function are either unavailable or do not agree on the potential impact of this missense change (SIFT: "Deleterious"; PolyPhen-2: "Not Available"; Align-GVGD: "Class C0"). In summary, the available evidence is currently insufficient to determine the role of this variant in disease. Therefore, it has been classified as a Variant of Uncertain Significance.

NM_012079.6(DGAT1):c.95G>T (p.Arg32Leu)

Genes: DGAT1 (diacylglycerol O-acyltransferase 1; minus strand), LOC130001385 (ATAC-STARR-seq lymphoblastoid silent region 19672; plus strand). Cytogenetic location: 8q24.3.
Variant type: single nucleotide variant.
Coding change: c.95G>T on transcript NM_012079.6 (MANE Select); coding-DNA position 95, G replaced by T.
Protein change: p.Arg32Leu; replaces arginine 32 with leucine.
Molecular consequence: missense variant.
Genome position (GRCh38, 1-based): chr8:144,326,542, C>A on the plus strand (G>T on the coding strand, the complement: DGAT1 is on the minus strand). VCF-style: chr8-144326542-C-A. GRCh37 (hg19) VCF-style: chr8-145550205-C-A.
Other names: c.95G>T (NM_012079.4); short protein forms R32L.
Identifiers: ClinVar variation 1440794 (VCV001440794.6), dbSNP rs1339503278, ClinGen allele CA372613403.
Genomic context (GRCh38, chr8:144,326,542, plus strand): 5'-TTGGGGGCCGGGGCTGGCGCGTCCCCCGCGGCTCCCACGTCGGGGCCCGCAGCGGCGTCC[C>A]GCACCTCCTCTTCCGCCGCCGCAGGCCCGCCGCCGCCGTGGCTCGAGGGCCGCGACCCTG-3'
Protein context (NP_036211.2, residues 22-42): GGPAAAEEEV[Arg32Leu]DAAAGPDVGA